The following is an entry in ClinVar:

ClinVar aggregate classification (germline): Uncertain significance (1 of 4 stars; one submission).

Submission:

Labcorp Genetics (formerly Invitae), Labcorp
Classification: Uncertain significance. Last evaluated: 2022-08-12. Review status: criteria provided, single submitter. Criteria: Invitae Variant Classification Sherloc (09022015). Collection method: clinical testing. Allele origin: germline.
Comment: In summary, the available evidence is currently insufficient to determine the role of this variant in disease. Therefore, it has been classified as a Variant of Uncertain Significance. Algorithms developed to predict the effect of missense changes on protein structure and function (SIFT, PolyPhen-2, Align-GVGD) all suggest that this variant is likely to be tolerated. This variant has not been reported in the literature in individuals affected with PPCS-related conditions. This variant is not present in population databases (gnomAD no frequency). This sequence change replaces isoleucine, which is neutral and non-polar, with arginine, which is basic and polar, at codon 285 of the PPCS protein (p.Ile285Arg).

NM_024664.4(PPCS):c.854T>G (p.Ile285Arg)

Genes: CCDC30 (coiled-coil domain containing 30; plus strand), PPCS (phosphopantothenoylcysteine synthetase; plus strand). Cytogenetic location: 1p34.2.
Variant type: single nucleotide variant.
Coding change: c.854T>G on transcript NM_024664.4 (MANE Select); coding-DNA position 854, T replaced by G.
Protein change: p.Ile285Arg; replaces isoleucine 285 with arginine.
Molecular consequence: missense variant. On other transcripts: intron variant (2).
Genome position (GRCh38, 1-based): chr1:42,459,844, T>G. VCF-style: chr1-42459844-T-G. GRCh37 (hg19) VCF-style: chr1-42925515-T-G.
Other names: c.335T>G, p.Ile112Arg (NM_001077447.3, NM_001287506.1, NM_001287508.2 and 2 more transcripts); c.236T>G, p.Ile79Arg (NM_001287507.1); c.-880+2494T>G (NM_001355226.2); c.612+2494T>G (NM_001287511.2); short protein forms I112R, I285R, I79R.
Identifiers: ClinVar variation 2105215 (VCV002105215.4), dbSNP rs780467070, ClinGen allele CA339950759.